The following is an entry in ClinVar:

NM_001127649.3(PEX26):c.497G>A (p.Arg166Gln)

Gene: PEX26 (peroxisomal biogenesis factor 26; plus strand). Cytogenetic location: 22q11.21.
Variant type: single nucleotide variant.
Coding change: c.497G>A on transcript NM_001127649.3 (MANE Select); coding-DNA position 497, G replaced by A.
Protein change: p.Arg166Gln; replaces arginine 166 with glutamine.
Molecular consequence: missense variant.
Genome position (GRCh38, 1-based): chr22:18,083,562, G>A. VCF-style: chr22-18083562-G-A. GRCh37 (hg19) VCF-style: chr22-18566328-G-A.
Other names: p.Arg166Gln; c.497G>A (NM_017929.5); c.497G>A, p.Arg166Gln (NM_001199319.2, NM_017929.6); short protein forms R166Q.
Identifiers: ClinVar variation 289190 (VCV000289190.19), dbSNP rs34194489, ClinGen allele CA10093338.

ClinVar aggregate classification (germline): Conflicting classifications of pathogenicity. Review status: criteria provided, conflicting classifications (1 of 4 stars). 5 submissions from 5 submitters: Uncertain significance (2); Benign (1); Likely benign (1). 1 of the submissions does not count toward it. Last evaluated 2026-01-20.

Conditions:
PEX26-related disorder. Also called: PEX26-related condition.
Peroxisome biogenesis disorder 7A (Zellweger). Also called: Peroxisome biogenesis disorder 7A. Identifiers: Orphanet 912, MedGen C3888385, MONDO:0013938, OMIM 614872.
Peroxisome biogenesis disorder 7B (PBD7B). Identifiers: Orphanet 44, MedGen C3553951, MONDO:0013939, OMIM 614873.

Allele frequency attached by ClinVar (database versions not stated): gnomAD exomes 0.00019; ExAC 0.00025; 1000 Genomes Project 30x 0.00031; 1000 Genomes Project 0.00040; gnomAD 0.00084 and 0.00098; TOPMed 0.00096; ESP Exome Variant Server 0.00138.
gnomAD v4.1: 233 of 1,614,048 alleles (0.014%); highest among the groups gnomAD compares: African/African-American, 0.27%; 2 homozygotes.

Submissions (5):

Labcorp Genetics (formerly Invitae), Labcorp
Classification: Benign for Peroxisome biogenesis disorder 7A (Zellweger); Peroxisome biogenesis disorder 7B. Last evaluated: 2026-01-20. Review status: criteria provided, single submitter. Criteria: Invitae Variant Classification Sherloc (09022015). Collection method: clinical testing. Allele origin: germline.

Blueprint Genetics
Classification: Likely benign. Last evaluated: 2023-02-15. Review status: criteria provided, single submitter. Criteria: ACMG Guidelines, 2015. Collection method: clinical testing. Allele origin: germline.

Mayo Clinic Laboratories, Mayo Clinic
Classification: Uncertain significance. Last evaluated: 2021-06-03. Review status: criteria provided, single submitter. Criteria: ACMG Guidelines, 2015. Collection method: clinical testing. Allele origin: germline.

Eurofins Ntd Llc (ga)
Classification: Uncertain significance. Last evaluated: 2018-02-20. Review status: criteria provided, single submitter. Criteria: EGL ClinVar v180209 classification definitions. Collection method: clinical testing. Allele origin: germline. Observed: 5 variant alleles, 5 heterozygotes.

PreventionGenetics, part of Exact Sciences
Classification: Likely benign for PEX26-related condition. Last evaluated: 2023-03-28. Review status: no assertion criteria provided. Collection method: clinical testing. Allele origin: germline. Not counted in ClinVar's aggregate classification.
Comment: This variant is classified as likely benign based on ACMG/AMP sequence variant interpretation guidelines (Richards et al. 2015 PMID: 25741868, with internal and published modifications).